The following is an entry in ClinVar:

NM_002878.4(RAD51D):c.510G>A (p.Val170=)

Genes: RAD51D (RAD51 paralog D; minus strand), RAD51L3-RFFL (RAD51L3-RFFL readthrough; minus strand). Cytogenetic location: 17q12.
Variant type: single nucleotide variant.
Coding change: c.510G>A on transcript NM_002878.4 (MANE Select); coding-DNA position 510, G replaced by A.
Protein change: p.Val170=; no amino-acid change (valine 170 retained).
Molecular consequence: synonymous variant. On other transcripts: non-coding transcript variant (3).
Genome position (GRCh38, 1-based): chr17:35,106,452, C>T on the plus strand (G>A on the coding strand, the complement: RAD51D is on the minus strand). VCF-style: chr17-35106452-C-T. GRCh37 (hg19) VCF-style: chr17-33433471-C-T.
Other names: c.570G>A, p.Val190= (NM_001142571.2); c.174G>A, p.Val58= (NM_133629.3).
Identifiers: ClinVar variation 184638 (VCV000184638.23), dbSNP rs142134504, ClinGen allele CA189533.

ClinVar aggregate classification (germline): Benign/Likely benign. Review status: criteria provided, multiple submitters, no conflicts (2 of 4 stars). 9 submissions from 9 submitters: Benign (1); Likely benign (8). Last evaluated 2025-12-19.

Conditions:
RAD51D-related disorder. Also called: RAD51D-related condition.
Hereditary cancer-predisposing syndrome. Also called: Neoplastic Syndromes, Hereditary; Tumor predisposition; Hereditary neoplastic syndrome; Hereditary Cancer Syndrome. Identifiers: Orphanet 140162, MedGen C0027672, MeSH D009386, MONDO:0015356.
Hereditary breast ovarian cancer syndrome. Also called: Hereditary breast and/or ovarian cancer syndrome; Hereditary breast and ovarian cancer syndrome; Hereditary breast and ovarian cancer; Hereditary breast and ovarian cancer syndrome (HBOC); Breast and ovarian cancer; BRCA1- and BRCA2-Associated Hereditary Breast and Ovarian Cancer. Identifiers: Orphanet 145, MedGen C0677776, MeSH D061325, MONDO:0003582. Disease mechanism: loss of function.
Breast-ovarian cancer, familial, susceptibility to, 4. Identifiers: Orphanet 145, MedGen C3280345, MONDO:0013669, OMIM 614291.

Allele frequency attached by ClinVar (database versions not stated): gnomAD 0.00001 and 0.00004; gnomAD exomes 0.00001 and 0.00006; TOPMed 0.00003; ExAC 0.00005; 1000 Genomes Project 0.00040; 1000 Genomes Project 30x 0.00047.
gnomAD v4.1: 21 of 1,613,210 alleles (0.0013%); highest among the groups gnomAD compares: East Asian, 0.036%; no homozygotes.

Submissions (9):

PreventionGenetics, part of Exact Sciences
Classification: Likely benign for RAD51D-related condition. Last evaluated: 2025-12-19. Review status: criteria provided, single submitter. Criteria: ACMG Guidelines, 2015. Collection method: clinical testing. Allele origin: germline.
Comment: This variant is classified as likely benign based on ACMG/AMP sequence variant interpretation guidelines (Richards et al. 2015 PMID: 25741868, with internal and published modifications).

Labcorp Genetics (formerly Invitae), Labcorp
Classification: Likely benign for Breast-ovarian cancer, familial, susceptibility to, 4. Last evaluated: 2025-11-24. Review status: criteria provided, single submitter. Criteria: Invitae Variant Classification Sherloc (09022015). Collection method: clinical testing. Allele origin: germline.

Myriad Genetics, Inc.
Classification: Benign for Breast-ovarian cancer, familial, susceptibility to, 4. Last evaluated: 2025-02-24. Review status: criteria provided, single submitter. Criteria: Myriad Autosomal Dominant, Autosomal Recessive and X-Linked Classification Criteria (2023). Collection method: clinical testing. Allele origin: unknown.
Comment: This variant is considered benign. This variant is a silent/synonymous amino acid change and it is not expected to impact splicing.

Blueprint Genetics
Classification: Likely benign. Last evaluated: 2024-06-12. Review status: criteria provided, single submitter. Criteria: ACMG Guidelines, 2015. Collection method: clinical testing. Allele origin: germline.

Department of Pathology and Laboratory Medicine, Sinai Health System
Classification: Likely benign for Hereditary breast ovarian cancer syndrome. Last evaluated: 2021-09-13. Review status: criteria provided, single submitter. Criteria: ACMG Guidelines, 2015. Collection method: clinical testing. Allele origin: germline. Affected: yes.

Quest Diagnostics Nichols Institute San Juan Capistrano
Classification: Likely benign. Last evaluated: 2020-12-22. Review status: criteria provided, single submitter. Criteria: Quest Diagnostics criteria. Collection method: clinical testing. Allele origin: unknown.

GeneDx
Classification: Likely benign. Last evaluated: 2019-08-12. Review status: criteria provided, single submitter. Criteria: GeneDx Variant Classification Process June 2021. Collection method: clinical testing. Allele origin: germline. Affected: yes.

Color Diagnostics, LLC DBA Color Health
Classification: Likely benign for Hereditary cancer-predisposing syndrome. Last evaluated: 2016-09-30. Review status: criteria provided, single submitter. Criteria: ACMG Guidelines, 2015. Collection method: clinical testing. Allele origin: germline.

Ambry Genetics
Classification: Likely benign for Hereditary cancer-predisposing syndrome. Last evaluated: 2015-02-06. Review status: criteria provided, single submitter. Criteria: Ambry Variant Classification Scheme 2023. Collection method: clinical testing. Allele origin: germline.

Literature cited by the submitters: PubMed 32980694 (cited by Quest Diagnostics Nichols Institute San Juan Capistrano).